The following is an entry in ClinVar:

ClinVar aggregate classification (germline): Benign/Likely benign. Review status: criteria provided, multiple submitters, no conflicts (2 of 4 stars). 10 submissions from 10 submitters: Benign (8); Likely benign (2). Last evaluated 2026-01-28.

Conditions:
Marfan syndrome (MFS). Also called: FBN1-Related Marfan Syndrome; MARFAN SYNDROME, TYPE I; Marfan syndrome type 1; Marfan's syndrome; Marfan syndrome, classic. Identifiers: Orphanet 284963, Orphanet 558, MedGen C0024796, MONDO:0007947, OMIM 154700.
Familial thoracic aortic aneurysm and aortic dissection (TAAD). Also called: Thoracic aortic aneurysms and dissections. Identifiers: Orphanet 91387, MedGen C4707243, MONDO:0019625.

Allele frequency attached by ClinVar (database versions not stated): gnomAD exomes 0.00033 and 0.00077; ExAC 0.00101; gnomAD 0.00306 and 0.00324; 1000 Genomes Project 0.00319; ESP Exome Variant Server 0.00339; TOPMed 0.00340; 1000 Genomes Project 30x 0.00359.
gnomAD v4.1: 968 of 1,608,328 alleles (0.06%); highest among the groups gnomAD compares: African/African-American, 1%; 5 homozygotes.

Submissions (11):

Labcorp Genetics (formerly Invitae), Labcorp
Classification: Benign for Marfan syndrome; Familial thoracic aortic aneurysm and aortic dissection. Last evaluated: 2026-01-28. Review status: criteria provided, single submitter. Criteria: Invitae Variant Classification Sherloc (09022015). Collection method: clinical testing. Allele origin: germline.

CeGaT Center for Human Genetics Tuebingen
Classification: Likely benign. Last evaluated: 2025-11-01. Review status: criteria provided, single submitter. Criteria: CeGaT Center For Human Genetics Tuebingen Variant Classification Criteria Version 2. Collection method: clinical testing. Allele origin: germline. Affected: yes. Observed: 1 variant allele.
Comment: FBN1: BS1

ARUP Laboratories, Molecular Genetics and Genomics, ARUP Laboratories
Classification: Benign. Last evaluated: 2024-11-18. Review status: criteria provided, single submitter. Criteria: ARUP Molecular Germline Variant Investigation Process 2024. Collection method: clinical testing. Allele origin: germline.

Blueprint Genetics
Classification: Likely benign. Last evaluated: 2024-10-22. Review status: criteria provided, single submitter. Criteria: ACMG Guidelines, 2015. Collection method: clinical testing. Allele origin: germline.

All of Us Research Program, National Institutes of Health
Classification: Benign for Marfan syndrome. Last evaluated: 2024-02-05. Review status: criteria provided, single submitter. Criteria: ACMG Guidelines, 2015. Collection method: clinical testing. Allele origin: germline. Inheritance: Autosomal dominant inheritance. Observed: 183 variant alleles, 182 heterozygotes, 1 homozygote.
Comment: This study involves interpretation of variants in research participants for the purpose of population health screening. Participant phenotype was not available at the time of variant classification. Additional details can be found in publication PMID: 35346344, PMCID: PMC8962531

CHEO Genetics Diagnostic Laboratory, Children's Hospital of Eastern Ontario
Classification: Benign for Familial thoracic aortic aneurysm and aortic dissection. Last evaluated: 2021-09-22. Review status: criteria provided, single submitter. Criteria: ACMG Guidelines, 2015. Collection method: clinical testing. Allele origin: germline.

Color Diagnostics, LLC DBA Color Health
Classification: Benign for Familial thoracic aortic aneurysm and aortic dissection. Last evaluated: 2018-11-16. Review status: criteria provided, single submitter. Criteria: ACMG Guidelines, 2015. Collection method: clinical testing. Allele origin: germline.

Laboratory for Molecular Medicine, Mass General Brigham Personalized Medicine
Classification: Benign. Last evaluated: 2013-11-01. Review status: criteria provided, single submitter. Criteria: LMM Criteria. Collection method: clinical testing. Allele origin: germline. Observed: 1 variant allele.
Comment: 2678-15C>T in intron 21 of FBN1: This variant is not expected to have clinical s ignificance because it has been identified in 1% (44/4394) of African American c hromosomes by the NHLBI Exome Sequencing Project (VS/; dbSNP rs181681840).

GeneDx
Classification: Benign. Last evaluated: 2013-07-17. Review status: criteria provided, single submitter. Criteria: GeneDx Variant Classification (06012015). Collection method: clinical testing. Allele origin: germline. Affected: yes.
Comment: This variant is considered likely benign or benign based on one or more of the following criteria: it is a conservative change, it occurs at a poorly conserved position in the protein, it is predicted to be benign by multiple in silico algorithms, and/or has population frequency not consistent with disease.

PreventionGenetics, part of Exact Sciences
Classification: Benign. Review status: criteria provided, single submitter. Criteria: ACMG Guidelines, 2015. Collection method: clinical testing. Allele origin: germline.

Dr. Peter K. Rogan Lab, Western University
No classification provided (evidence only). Condition: Familial cancer of breast. Review status: no classification provided. Collection method: in vitro. Allele origin: not applicable. Functional consequence: retained intron. Not counted in ClinVar's aggregate classification.

NM_000138.5(FBN1):c.2678-15C>T

Gene: FBN1 (fibrillin 1; minus strand). Cytogenetic location: 15q21.1.
Variant type: single nucleotide variant.
Coding change: c.2678-15C>T on transcript NM_000138.5 (MANE Select); 15 bases into the intron before coding-DNA position 2678, C replaced by T.
Molecular consequence: intron variant.
Genome position (GRCh38, 1-based): chr15:48,494,269, G>A on the plus strand (C>T on the coding strand, the complement: FBN1 is on the minus strand). VCF-style: chr15-48494269-G-A. GRCh37 (hg19) VCF-style: chr15-48786466-G-A.
Identifiers: ClinVar variation 137303 (VCV000137303.34), dbSNP rs181681840, ClinGen allele CA013320.